The following is an entry in ClinVar:

ClinVar aggregate classification (germline): Benign (1 of 4 stars; one submission).

Conditions:
Leigh syndrome (NULS). Also called: Leigh's necrotizing encephalopathy; Leigh's disease; Leigh's syndrome; LEIGH SYNDROME, NUCLEAR; Leigh Syndrome (mtDNA deletion); Leigh Disease. Identifiers: Orphanet 506, MedGen C2931891, MONDO:0009723, OMIM 256000.

Submission:

Wong Mito Lab, Molecular and Human Genetics, Baylor College of Medicine
Classification: Benign for Leigh syndrome. Last evaluated: 2019-10-17. Review status: criteria provided, single submitter. Criteria: Modified ACMG Guidelines (Unpublished). Collection method: clinical testing. Allele origin: germline.
Comment: The NC_012920.1:m.15734G>A (YP_003024038.1:p.Ala330Thr) variant in MTCYB gene is interpretated to be a Benign variant based on the modified ACMG guidelines (unpublished). This variant meets the following evidence codes: BS1, BS2, BP4

NC_012920.1(MT-CYB):m.15734G>A

Gene: MT-CYB (mitochondrially encoded cytochrome b; plus strand).
Variant type: single nucleotide variant.
Genome position: chrM-15734-G-A.
Identifiers: ClinVar variation 693940 (VCV000693940.1), dbSNP rs386829259, ClinGen allele CA337100504.
Genomic context (GRCh38, chrMT:15,734, plus strand): 5'-TCCAAACAACAAAGCATAATATTTCGCCCACTAAGCCAATCACTTTATTGACTCCTAGCC[G>A]CAGACCTCCTCATTCTAACCTGAATCGGAGGACAACCAGTAAGCTACCCTTTTACCATCA-3'